The following is an entry in ClinVar:

ClinVar aggregate classification (germline): Likely pathogenic (1 of 4 stars; one submission).

Submission:

Labcorp Genetics (formerly Invitae), Labcorp
Classification: Likely pathogenic. Last evaluated: 2024-02-19. Review status: criteria provided, single submitter. Criteria: Invitae Variant Classification Sherloc (09022015). Collection method: clinical testing. Allele origin: germline.
Comment: This sequence change replaces glycine, which is neutral and non-polar, with serine, which is neutral and polar, at codon 146 of the TMPRSS3 protein (p.Gly146Ser). This variant is present in population databases (no rsID available, gnomAD no frequency). This missense change has been observed in individual(s) with non-syndromic deafness (PMID: 26226137). It has also been observed to segregate with disease in related individuals. Advanced modeling of protein sequence and biophysical properties (such as structural, functional, and spatial information, amino acid conservation, physicochemical variation, residue mobility, and thermodynamic stability) performed at Invitae indicates that this missense variant is expected to disrupt TMPRSS3 protein function with a positive predictive value of 95%. In summary, the currently available evidence indicates that the variant is pathogenic, but additional data are needed to prove that conclusively. Therefore, this variant has been classified as Likely Pathogenic.

Literature cited by the submitters: PubMed 26226137.

NM_001256317.3(TMPRSS3):c.436G>A (p.Gly146Ser)

Gene: TMPRSS3 (transmembrane serine protease 3; minus strand). Cytogenetic location: 21q22.3.
Variant type: single nucleotide variant.
Coding change: c.436G>A on transcript NM_001256317.3 (MANE Select); coding-DNA position 436, G replaced by A.
Protein change: p.Gly146Ser; replaces glycine 146 with serine.
Molecular consequence: missense variant.
Genome position (GRCh38, 1-based): chr21:42,388,413, C>T on the plus strand (G>A on the coding strand, the complement: TMPRSS3 is on the minus strand). VCF-style: chr21-42388413-C-T. GRCh37 (hg19) VCF-style: chr21-43808522-C-T.
Other names: c.436G>A, p.Gly146Ser (NM_024022.4, NM_032405.2); c.55G>A, p.Gly19Ser (NM_032404.3); short protein forms G19S, G146S.
Identifiers: ClinVar variation 2736996 (VCV002736996.3), dbSNP rs1391332906, ClinGen allele CA410375301.